The following is an entry in ClinVar:

NM_206933.4(USH2A):c.8186C>G (p.Pro2729Arg)

Gene: USH2A (usherin; minus strand). Cytogenetic location: 1q41.
Variant type: single nucleotide variant.
Coding change: c.8186C>G on transcript NM_206933.4 (MANE Select); coding-DNA position 8186, C replaced by G.
Protein change: p.Pro2729Arg; replaces proline 2729 with arginine.
Molecular consequence: missense variant.
Genome position (GRCh38, 1-based): chr1:215,888,463, G>C on the plus strand (C>G on the coding strand, the complement: USH2A is on the minus strand). VCF-style: chr1-215888463-G-C. GRCh37 (hg19) VCF-style: chr1-216061805-G-C.
Other names: short protein forms P2729R.
Identifiers: ClinVar variation 1954772 (VCV001954772.2), dbSNP rs1420866718, ClinGen allele CA344838483.

ClinVar aggregate classification (germline): Uncertain significance (1 of 4 stars; one submission).

gnomAD v4.1: 1 of 1,613,722 alleles (0.000062%); highest among the groups gnomAD compares: Non-Finnish European, 0.000085%; no homozygotes.

Submission:

Labcorp Genetics (formerly Invitae), Labcorp
Classification: Uncertain significance. Last evaluated: 2022-10-24. Review status: criteria provided, single submitter. Criteria: Invitae Variant Classification Sherloc (09022015). Collection method: clinical testing. Allele origin: germline.
Comment: This sequence change replaces proline, which is neutral and non-polar, with arginine, which is basic and polar, at codon 2729 of the USH2A protein (p.Pro2729Arg). This variant is present in population databases (no rsID available, gnomAD 0.0009%). This variant has not been reported in the literature in individuals affected with USH2A-related conditions. Advanced modeling of protein sequence and biophysical properties (such as structural, functional, and spatial information, amino acid conservation, physicochemical variation, residue mobility, and thermodynamic stability) has been performed at Invitae for this missense variant, however the output from this modeling did not meet the statistical confidence thresholds required to predict the impact of this variant on USH2A protein function. In summary, the available evidence is currently insufficient to determine the role of this variant in disease. Therefore, it has been classified as a Variant of Uncertain Significance.